The following is an entry in ClinVar:

ClinVar aggregate classification (germline): Uncertain significance (1 of 4 stars; one submission).

Conditions:
Inborn genetic diseases. Identifiers: MedGen C0950123, MeSH D030342.

Allele frequency attached by ClinVar (database versions not stated): TOPMed below 0.00001.

Submission:

Ambry Genetics
Classification: Uncertain significance for Inborn genetic diseases. Last evaluated: 2023-07-30. Review status: criteria provided, single submitter. Criteria: Ambry Variant Classification Scheme 2023. Collection method: clinical testing. Allele origin: germline.
Comment: The p.T477A variant (also known as c.1429A>G), located in coding exon 11 of the BUB1B gene, results from an A to G substitution at nucleotide position 1429. The threonine at codon 477 is replaced by alanine, an amino acid with similar properties. This amino acid position is conserved. In addition, this alteration is predicted to be tolerated by in silico analysis. Since supporting evidence is limited at this time, the clinical significance of this alteration remains unclear.

NM_001211.6(BUB1B):c.1429A>G (p.Thr477Ala)

Gene: BUB1B (BUB1 mitotic checkpoint serine/threonine kinase B; plus strand). Cytogenetic location: 15q15.1.
Variant type: single nucleotide variant.
Coding change: c.1429A>G on transcript NM_001211.6 (MANE Select); coding-DNA position 1429, A replaced by G.
Protein change: p.Thr477Ala; replaces threonine 477 with alanine.
Molecular consequence: missense variant.
Genome position (GRCh38, 1-based): chr15:40,200,271, A>G. VCF-style: chr15-40200271-A-G. GRCh37 (hg19) VCF-style: chr15-40492472-A-G.
Other names: short protein forms T477A.
Identifiers: ClinVar variation 2585920 (VCV002585920.2), dbSNP rs2037549065, ClinGen allele CA391689728.